The following is an entry in ClinVar:

NM_000038.6(APC):c.7582A>G (p.Ile2528Val)

Gene: APC (APC regulator of Wnt signaling pathway; plus strand). Cytogenetic location: 5q22.2.
Variant type: single nucleotide variant.
Coding change: c.7582A>G on transcript NM_000038.6 (MANE Select); coding-DNA position 7582, A replaced by G.
Protein change: p.Ile2528Val; replaces isoleucine 2528 with valine.
Molecular consequence: missense variant.
Genome position (GRCh38, 1-based): chr5:112,843,176, A>G. VCF-style: chr5-112843176-A-G. GRCh37 (hg19) VCF-style: chr5-112178873-A-G.
Other names: c.7582A>G, p.Ile2528Val (NM_001127510.3, NM_001354895.2); c.7528A>G, p.Ile2510Val (NM_001127511.3); c.7636A>G, p.Ile2546Val (NM_001354896.2); c.7612A>G, p.Ile2538Val (NM_001354897.2); c.7507A>G, p.Ile2503Val (NM_001354898.2); c.7498A>G, p.Ile2500Val (NM_001354899.2); c.7459A>G, p.Ile2487Val (NM_001354900.2); c.7405A>G, p.Ile2469Val (NM_001354901.2); and 5 more; short protein forms I2528V, I2510V, I2437V, I2487V, I2538V, I2427V, I2245V, I2402V.
Identifiers: ClinVar variation 470098 (VCV000470098.10), dbSNP rs1554088492, ClinGen allele CA16037809.
Genomic context (GRCh38, chr5:112,843,176, plus strand): 5'-CCACCTAATCTCAGTCCCACTATAGAGTATAATGATGGAAGACCAGCAAAGCGCCATGAT[A>G]TTGCACGGTCTCATTCTGAAAGTCCTTCTAGACTTCCAATCAATAGGTCAGGAACCTGGA-3'
Protein context (NP_000029.2, residues 2518-2538): NDGRPAKRHD[Ile2528Val]ARSHSESPSR

ClinVar aggregate classification (germline): Uncertain significance (1 of 4 stars; one submission).

Conditions:
Familial adenomatous polyposis 1 (FAP1). Also called: POLYPOSIS, ADENOMATOUS INTESTINAL; FAMILIAL ADENOMATOUS POLYPOSIS 1, ATTENUATED. Identifiers: MedGen C2713442, MONDO:0021056, OMIM 175100. Disease mechanism: loss of function.

Submission:

Labcorp Genetics (formerly Invitae), Labcorp
Classification: Uncertain significance for Familial adenomatous polyposis 1. Last evaluated: 2020-01-17. Review status: criteria provided, single submitter. Criteria: Invitae Variant Classification Sherloc (09022015). Collection method: clinical testing. Allele origin: germline.
Comment: In summary, the available evidence is currently insufficient to determine the role of this variant in disease. Therefore, it has been classified as a Variant of Uncertain Significance. Algorithms developed to predict the effect of missense changes on protein structure and function (SIFT, PolyPhen-2, Align-GVGD) all suggest that this variant is likely to be tolerated, but these predictions have not been confirmed by published functional studies and their clinical significance is uncertain. This variant has not been reported in the literature in individuals with APC-related disease. This variant is not present in population databases (ExAC no frequency). This sequence change replaces isoleucine with valine at codon 2528 of the APC protein (p.Ile2528Val). The isoleucine residue is highly conserved and there is a small physicochemical difference between isoleucine and valine.